The following is an entry in ClinVar:

ClinVar aggregate classification (germline): Uncertain significance (1 of 4 stars; one submission).

Conditions:
Joubert syndrome. Also called: CEREBELLOPARENCHYMAL DISORDER IV; JOUBERT-BOLTSHAUSER SYNDROME; Familial aplasia of the vermis. Identifiers: Orphanet 475, MedGen C5979921, MONDO:0018772.
Meckel-Gruber syndrome. Also called: DYSENCEPHALIA SPLANCHNOCYSTICA; GRUBER SYNDROME; Dysencephalia splachnocystica. Identifiers: Orphanet 564, MedGen C0265215, MONDO:0018921.

Allele frequency attached by ClinVar (database versions not stated): gnomAD exomes below 0.00001; TOPMed below 0.00001.
gnomAD v4.1: 1 of 1,614,170 alleles (0.000062%); highest among the groups gnomAD compares: East Asian, 0.0022%; no homozygotes.

Submission:

Labcorp Genetics (formerly Invitae), Labcorp
Classification: Uncertain significance for Joubert syndrome; Meckel-Gruber syndrome. Last evaluated: 2024-12-02. Review status: criteria provided, single submitter. Criteria: Invitae Variant Classification Sherloc (09022015). Collection method: clinical testing. Allele origin: germline.
Comment: This sequence change replaces threonine, which is neutral and polar, with alanine, which is neutral and non-polar, at codon 795 of the RPGRIP1L protein (p.Thr795Ala). This variant is present in population databases (no rsID available, gnomAD 0.006%). This variant has not been reported in the literature in individuals affected with RPGRIP1L-related conditions. ClinVar contains an entry for this variant (Variation ID: 1436544). Invitae Evidence Modeling of protein sequence and biophysical properties (such as structural, functional, and spatial information, amino acid conservation, physicochemical variation, residue mobility, and thermodynamic stability) indicates that this missense variant is not expected to disrupt RPGRIP1L protein function with a negative predictive value of 80%. In summary, the available evidence is currently insufficient to determine the role of this variant in disease. Therefore, it has been classified as a Variant of Uncertain Significance.

NM_015272.5(RPGRIP1L):c.2383A>G (p.Thr795Ala)

Gene: RPGRIP1L (RPGRIP1 like; minus strand). Cytogenetic location: 16q12.2.
Variant type: single nucleotide variant.
Coding change: c.2383A>G on transcript NM_015272.5 (MANE Select); coding-DNA position 2383, A replaced by G.
Protein change: p.Thr795Ala; replaces threonine 795 with alanine.
Molecular consequence: missense variant.
Genome position (GRCh38, 1-based): chr16:53,645,925, T>C on the plus strand (A>G on the coding strand, the complement: RPGRIP1L is on the minus strand). VCF-style: chr16-53645925-T-C. GRCh37 (hg19) VCF-style: chr16-53679837-T-C.
Other names: c.2383A>G, p.Thr795Ala (NM_001127897.4, NM_001308334.3, NM_001330538.2); short protein forms T795A.
Identifiers: ClinVar variation 1436544 (VCV001436544.7), dbSNP rs1393329540, ClinGen allele CA395914738.
Genomic context (GRCh38, chr16:53,645,925, plus strand): 5'-CATATGGGTGTGGCTGCAGGTGGCTTGCTCGGGACTGCAGGTGGTTGCAACATCTTATTG[T>C]AATGTGAAGTTCATTTAAGTTGCCATCTGTGGAATCTGTAGAACTGAGTTGAGCAGTTTT-3'
Protein context (NP_056087.2, residues 785-805): TDGNLNELHI[Thr795Ala]IRCCNHLQSR